The following is an entry in ClinVar:

ClinVar aggregate classification (germline): Benign/Likely benign. Review status: criteria provided, multiple submitters, no conflicts (2 of 4 stars). 3 submissions from 3 submitters: Benign (1); Likely benign (2). Last evaluated 2022-04-01.

Allele frequency attached by ClinVar (database versions not stated): gnomAD 0.00212 and 0.00239; gnomAD exomes 0.00214 and 0.00339; TOPMed 0.00229; 1000 Genomes Project 30x 0.00234; 1000 Genomes Project 0.00260; ESP Exome Variant Server 0.00261; ExAC 0.00318.
gnomAD v4.1: 3,595 of 1,608,866 alleles (0.22%); highest among the groups gnomAD compares: Middle Eastern, 1%; 21 homozygotes.

Submissions (3):

CeGaT Center for Human Genetics Tuebingen
Classification: Benign. Last evaluated: 2022-04-01. Review status: criteria provided, single submitter. Criteria: CeGaT Center For Human Genetics Tuebingen Variant Classification Criteria Version 2. Collection method: clinical testing. Allele origin: germline. Affected: yes. Observed: 2 variant alleles.
Comment: CFAP20DC: BP4, BS1, BS2; CFAP20DC-AS1: BS1, BS2

Labcorp Genetics (formerly Invitae), Labcorp
Classification: Likely benign. Last evaluated: 2018-05-15. Review status: criteria provided, single submitter. Criteria: Invitae Variant Classification Sherloc (09022015). Collection method: clinical testing. Allele origin: germline.

Breakthrough Genomics
Classification: Likely benign. Review status: criteria provided, single submitter. Criteria: ACMG Guidelines, 2015. Collection method: not provided. Allele origin: germline. Inheritance: Unknown mechanism. Affected: yes.

NM_001394063.1(CFAP20DC):c.1252C>G (p.Gln418Glu)

Genes: CFAP20DC-AS1 (CFAP20DC antisense RNA 1; plus strand), CFAP20DC (CFAP20 domain containing; minus strand). Cytogenetic location: 3p14.2.
Variant type: single nucleotide variant.
Coding change: c.1252C>G on transcript NM_001394063.1 (MANE Select); coding-DNA position 1252, C replaced by G.
Protein change: p.Gln418Glu; replaces glutamine 418 with glutamic acid.
Molecular consequence: missense variant. On other transcripts: non-coding transcript variant (1).
Genome position (GRCh38, 1-based): chr3:58,866,572, G>C on the plus strand (C>G on the coding strand, the complement: CFAP20DC is on the minus strand). VCF-style: chr3-58866572-G-C. GRCh37 (hg19) VCF-style: chr3-58852298-G-C.
Other names: c.877C>G, p.Gln293Glu (NM_198463.4); c.1087C>G, p.Gln363Glu (NM_001351530.2); c.637C>G, p.Gln213Glu (NM_001351531.2); c.322C>G, p.Gln108Glu (NM_001351532.2); short protein forms Q213E, Q293E, Q108E, Q363E, Q418E.
Identifiers: ClinVar variation 771135 (VCV000771135.28), dbSNP rs139315615, ClinGen allele CA2473430.